The following is an entry in ClinVar:

ClinVar aggregate classification (germline): Likely benign. Review status: criteria provided, multiple submitters, no conflicts (2 of 4 stars). 4 submissions from 4 submitters: Likely benign (4). Last evaluated 2025-07-05.

Conditions:
JAG1-related disorder. Also called: JAG1-related disorders; JAG1-related condition.
Alagille syndrome due to a JAG1 point mutation. Also called: JAG1-Related Alagille Syndrome; Alagille Syndrome 1; HEPATIC DUCTULAR HYPOPLASIA, SYNDROMATIC. Identifiers: Orphanet 261619, Orphanet 52, MedGen C1956125, MONDO:0016862, OMIM 118450.
Cardiovascular phenotype. Identifiers: MedGen CN230736.

Allele frequency attached by ClinVar (database versions not stated): gnomAD 0.00001; TOPMed 0.00002.
gnomAD v4.1: 53 of 1,613,988 alleles (0.0033%); highest among the groups gnomAD compares: East Asian, 0.0067%; no homozygotes.

Submissions (4):

PreventionGenetics, part of Exact Sciences
Classification: Likely benign for JAG1-related condition. Last evaluated: 2025-07-05. Review status: criteria provided, single submitter. Criteria: ACMG Guidelines, 2015. Collection method: clinical testing. Allele origin: germline.
Comment: This variant is classified as likely benign based on ACMG/AMP sequence variant interpretation guidelines (Richards et al. 2015 PMID: 25741868, with internal and published modifications).

Labcorp Genetics (formerly Invitae), Labcorp
Classification: Likely benign for Alagille syndrome due to a JAG1 point mutation. Last evaluated: 2024-08-12. Review status: criteria provided, single submitter. Criteria: Invitae Variant Classification Sherloc (09022015). Collection method: clinical testing. Allele origin: germline.

Ambry Genetics
Classification: Likely benign for Cardiovascular phenotype. Last evaluated: 2022-10-23. Review status: criteria provided, single submitter. Criteria: Ambry Variant Classification Scheme 2023. Collection method: clinical testing. Allele origin: germline.

Blueprint Genetics
Classification: Likely benign. Last evaluated: 2021-12-30. Review status: criteria provided, single submitter. Criteria: ACMG Guidelines, 2015. Collection method: clinical testing. Allele origin: germline.

NM_000214.3(JAG1):c.3081G>A (p.Pro1027=)

Gene: JAG1 (jagged canonical Notch ligand 1; minus strand). Cytogenetic location: 20p12.2.
Variant type: single nucleotide variant.
Coding change: c.3081G>A on transcript NM_000214.3 (MANE Select); coding-DNA position 3081, G replaced by A.
Protein change: p.Pro1027=; no amino-acid change (proline 1027 retained).
Molecular consequence: synonymous variant.
Genome position (GRCh38, 1-based): chr20:10,640,901, C>T on the plus strand (G>A on the coding strand, the complement: JAG1 is on the minus strand). VCF-style: chr20-10640901-C-T. GRCh37 (hg19) VCF-style: chr20-10621549-C-T.
Identifiers: ClinVar variation 1131407 (VCV001131407.13), dbSNP rs766664730, ClinGen allele CA9764284.